The following is an entry in ClinVar:

NM_001042492.3(NF1):c.7018C>A (p.Gln2340Lys)

Gene: NF1 (neurofibromin 1; plus strand). Cytogenetic location: 17q11.2.
Variant type: single nucleotide variant.
Coding change: c.7018C>A on transcript NM_001042492.3 (MANE Select); coding-DNA position 7018, C replaced by A.
Protein change: p.Gln2340Lys; replaces glutamine 2340 with lysine.
Molecular consequence: missense variant.
Genome position (GRCh38, 1-based): chr17:31,340,601, C>A. VCF-style: chr17-31340601-C-A. GRCh37 (hg19) VCF-style: chr17-29667619-C-A.
Other names: c.6955C>A, p.Gln2319Lys (NM_000267.4); short protein forms Q2319K, Q2340K.
Identifiers: ClinVar variation 3613145 (VCV003613145.2).

ClinVar aggregate classification (germline): Uncertain significance (1 of 4 stars; one submission).

Conditions:
Neurofibromatosis, type 1 (NF1). Also called: Peripheral type neurofibromatosis; NEUROFIBROMATOSIS, TYPE I, SOMATIC; VON RECKLINGHAUSEN DISEASE; Neurofibromatosis, type I. Identifiers: Orphanet 636, MedGen C0027831, MONDO:0018975, OMIM 162200. Disease mechanism: loss of function.

Submission:

Labcorp Genetics (formerly Invitae), Labcorp
Classification: Uncertain significance for Neurofibromatosis, type 1. Last evaluated: 2025-09-16. Review status: criteria provided, single submitter. Criteria: Invitae Variant Classification Sherloc (09022015). Collection method: clinical testing. Allele origin: germline.
Comment: This sequence change replaces glutamine, which is neutral and polar, with lysine, which is basic and polar, at codon 2319 of the NF1 protein (p.Gln2319Lys). This variant is not present in population databases (gnomAD no frequency). This variant has not been reported in the literature in individuals affected with NF1-related conditions. ClinVar contains an entry for this variant (Variation ID: 3613145). Invitae Evidence Modeling of protein sequence and biophysical properties (such as structural, functional, and spatial information, amino acid conservation, physicochemical variation, residue mobility, and thermodynamic stability) has been performed for this missense variant. However, the output from this modeling did not meet the statistical confidence thresholds required to predict the impact of this variant on NF1 protein function. In summary, the available evidence is currently insufficient to determine the role of this variant in disease. Therefore, it has been classified as a Variant of Uncertain Significance.